The following is an entry in ClinVar:

NM_014874.4(MFN2):c.406G>T (p.Val136Leu)

Gene: MFN2 (mitofusin 2; plus strand). Cytogenetic location: 1p36.22.
Variant type: single nucleotide variant.
Coding change: c.406G>T on transcript NM_014874.4 (MANE Select); coding-DNA position 406, G replaced by T.
Protein change: p.Val136Leu; replaces valine 136 with leucine.
Molecular consequence: missense variant.
Genome position (GRCh38, 1-based): chr1:11,996,250, G>T. VCF-style: chr1-11996250-G-T. GRCh37 (hg19) VCF-style: chr1-12056307-G-T.
Other names: c.406G>T, p.Val136Leu (NM_001127660.2); short protein forms V136L.
Identifiers: ClinVar variation 2169471 (VCV002169471.4), dbSNP rs2523011187, ClinGen allele CA338434753.
Genomic context (GRCh38, chr1:11,996,250, plus strand): 5'-ATGCTCTGGGACAAAGTTCTGCCCTCTGGGATTGGCCACACCACCAATTGCTTCCTGCGG[G>T]TAGAGGGCACAGATGGCCATGAGGCCTTTCTCCTTACCGAGGGCTCAGAGGAAAAGAGGA-3'
Protein context (NP_055689.1, residues 126-146): IGHTTNCFLR[Val136Leu]EGTDGHEAFL

ClinVar aggregate classification (germline): Uncertain significance (1 of 4 stars; one submission).

Conditions:
Charcot-Marie-Tooth disease type 2. Also called: Charcot-Marie-Tooth type 2. Identifiers: Orphanet 64746, MedGen C0270914, MONDO:0018993.

Submission:

Labcorp Genetics (formerly Invitae), Labcorp
Classification: Uncertain significance for Charcot-Marie-Tooth disease type 2. Last evaluated: 2022-05-15. Review status: criteria provided, single submitter. Criteria: Invitae Variant Classification Sherloc (09022015). Collection method: clinical testing. Allele origin: germline.
Comment: In summary, the available evidence is currently insufficient to determine the role of this variant in disease. Therefore, it has been classified as a Variant of Uncertain Significance. Advanced modeling of protein sequence and biophysical properties (such as structural, functional, and spatial information, amino acid conservation, physicochemical variation, residue mobility, and thermodynamic stability) performed at Invitae indicates that this missense variant is expected to disrupt MFN2 protein function. This missense change has been observed in individual(s) with clinical features of autosomal recessive Charcot-Marie-Tooth disease (PMID: 30724636). This variant is not present in population databases (gnomAD no frequency). This sequence change replaces valine, which is neutral and non-polar, with leucine, which is neutral and non-polar, at codon 136 of the MFN2 protein (p.Val136Leu).

Literature cited by the submitters: PubMed 30724636.